The following is an entry in ClinVar:

NM_001377.3(DYNC2H1):c.5334+6G>A

Gene: DYNC2H1 (dynein cytoplasmic 2 heavy chain 1; plus strand). Cytogenetic location: 11q22.3.
Variant type: single nucleotide variant.
Coding change: c.5334+6G>A on transcript NM_001377.3 (MANE Select); 6 bases into the intron after coding-DNA position 5334, G replaced by A.
Molecular consequence: intron variant.
Genome position (GRCh38, 1-based): chr11:103,171,074, G>A. VCF-style: chr11-103171074-G-A. GRCh37 (hg19) VCF-style: chr11-103041803-G-A.
Other names: c.5334+6G>A (NM_001080463.2).
Identifiers: ClinVar variation 501239 (VCV000501239.22), dbSNP rs372964069, ClinGen allele CA6253739.
Genomic context (GRCh38, chr11:103,171,074, plus strand): 5'-AATTCAAGATGCTTTGAAGAATCATAGAACTGTATGTGAACTGCTTGGCAAGGAGGTATA[G>A]AATATGTTGGGAATTTAAAGAATTAAAATATTTTGTAAGACTTGATATTACTCATACTTA-3'

ClinVar aggregate classification (germline): Conflicting classifications of pathogenicity. Review status: criteria provided, conflicting classifications (1 of 4 stars). 5 submissions from 5 submitters: Uncertain significance (2); Benign (1); Likely benign (2). Last evaluated 2026-01-28.

Conditions:
Jeune thoracic dystrophy. Also called: Jeune syndrome; Infantile thoracic dystrophy; Thoracic pelvic phalangeal dystrophy; Jeune's syndrome; Chondroectodermal dysplasia-like syndrome; Short-rib thoracic dysplasia. Identifiers: Orphanet 474, MedGen C0265275, MONDO:0018770.

Allele frequency attached by ClinVar (database versions not stated): gnomAD exomes 0.00015 and 0.00043; ExAC 0.00051; 1000 Genomes Project 0.00140; 1000 Genomes Project 30x 0.00141; ESP Exome Variant Server 0.00153; gnomAD 0.00172 and 0.00189; TOPMed 0.00196.
gnomAD v4.1: 474 of 1,560,804 alleles (0.03%); highest among the groups gnomAD compares: African/African-American, 0.6%; 1 homozygote.

Submissions (5):

Labcorp Genetics (formerly Invitae), Labcorp
Classification: Likely benign for Jeune thoracic dystrophy. Last evaluated: 2026-01-28. Review status: criteria provided, single submitter. Criteria: Invitae Variant Classification Sherloc (09022015). Collection method: clinical testing. Allele origin: germline.

Blueprint Genetics
Classification: Benign. Last evaluated: 2024-07-11. Review status: criteria provided, single submitter. Criteria: ACMG Guidelines, 2015. Collection method: clinical testing. Allele origin: germline.

Genetic Services Laboratory, University of Chicago
Classification: Uncertain significance. Last evaluated: 2023-08-22. Review status: criteria provided, single submitter. Criteria: ACMG Guidelines, 2015. Collection method: clinical testing. Allele origin: germline. Affected: no.
Comment: DNA sequence analysis of the DYNC2H1 gene demonstrated a sequence change in intron 34, c.5334+6G>A. This change does not appear to have been previously described in individuals with DYNC2H1-related disorders. This sequence change has been described in the gnomAD database with a frequency of 0.61% in the African subpopulation (dbSNP rs372964069). In-silico splice prediction programs provide inconclusive results for this sequence change. It is possible that this sequence change represents a benign sequence change in the DYNC2H1 gene that has not been identified to date. The functional significance of this sequence change is not known at present and its contribution to this individual's disease phenotype cannot definitively be determined.

GeneDx
Classification: Likely benign. Last evaluated: 2019-04-03. Review status: criteria provided, single submitter. Criteria: GeneDx Variant Classification Process June 2021. Collection method: clinical testing. Allele origin: germline. Affected: yes.

Eurofins Ntd Llc (ga)
Classification: Uncertain significance. Last evaluated: 2017-04-19. Review status: criteria provided, single submitter. Criteria: EGL Classification Definitions 2015. Collection method: clinical testing. Allele origin: germline. Observed: 1 variant allele, 1 heterozygote.